The following is an entry in ClinVar:

ClinVar aggregate classification (germline): Uncertain significance. Review status: criteria provided, multiple submitters, no conflicts (2 of 4 stars). 2 submissions from 2 submitters: Uncertain significance (2). Last evaluated 2023-07-11.

Conditions:
Chédiak-Higashi syndrome (CHS). Also called: Chediak-Higashi Syndrome. Identifiers: Orphanet 167, MedGen C0007965, MONDO:0008963, OMIM 214500.
Inborn genetic diseases. Identifiers: MedGen C0950123, MeSH D030342.

Allele frequency attached by ClinVar (database versions not stated): ExAC 0.00001; TOPMed 0.00003; gnomAD 0.00004; gnomAD exomes 0.00005.
gnomAD v4.1: 77 of 1,590,638 alleles (0.0048%); highest among the groups gnomAD compares: Non-Finnish European, 0.0062%; no homozygotes.

Submissions (2):

Ambry Genetics
Classification: Uncertain significance for Inborn genetic diseases. Last evaluated: 2023-07-11. Review status: criteria provided, single submitter. Criteria: Ambry Variant Classification Scheme 2023. Collection method: clinical testing. Allele origin: germline.

Labcorp Genetics (formerly Invitae), Labcorp
Classification: Uncertain significance for Chédiak-Higashi syndrome. Last evaluated: 2022-06-14. Review status: criteria provided, single submitter. Criteria: Invitae Variant Classification Sherloc (09022015). Collection method: clinical testing. Allele origin: germline.
Comment: This sequence change replaces isoleucine, which is neutral and non-polar, with threonine, which is neutral and polar, at codon 2690 of the LYST protein (p.Ile2690Thr). This variant is present in population databases (rs779059395, gnomAD 0.002%). This variant has not been reported in the literature in individuals affected with LYST-related conditions. Algorithms developed to predict the effect of missense changes on protein structure and function output the following: SIFT: "Tolerated"; PolyPhen-2: "Benign"; Align-GVGD: "Class C0". The threonine amino acid residue is found in multiple mammalian species, which suggests that this missense change does not adversely affect protein function. In summary, the available evidence is currently insufficient to determine the role of this variant in disease. Therefore, it has been classified as a Variant of Uncertain Significance.

NM_000081.4(LYST):c.8069T>C (p.Ile2690Thr)

Gene: LYST (lysosomal trafficking regulator; minus strand). Cytogenetic location: 1q42.3.
Variant type: single nucleotide variant.
Coding change: c.8069T>C on transcript NM_000081.4 (MANE Select); coding-DNA position 8069, T replaced by C.
Protein change: p.Ile2690Thr; replaces isoleucine 2690 with threonine.
Molecular consequence: missense variant.
Genome position (GRCh38, 1-based): chr1:235,744,061, A>G on the plus strand (T>C on the coding strand, the complement: LYST is on the minus strand). VCF-style: chr1-235744061-A-G. GRCh37 (hg19) VCF-style: chr1-235907361-A-G.
Other names: c.8069T>C (NM_000081.2); c.8069T>C, p.Ile2690Thr (NM_001301365.1); short protein forms I2690T.
Identifiers: ClinVar variation 2049206 (VCV002049206.3), dbSNP rs779059395, ClinGen allele CA1465954.